The following is an entry in ClinVar:

ClinVar aggregate classification (germline): Uncertain significance. Review status: criteria provided, multiple submitters, no conflicts (2 of 4 stars). 2 submissions from 2 submitters: Uncertain significance (2). Last evaluated 2026-01-26.

Conditions:
Hypercoagulability syndrome due to glycosylphosphatidylinositol deficiency (GPIBD1). Also called: GLYCOSYLPHOSPHATIDYLINOSITOL BIOSYNTHESIS DEFECT 1. Identifiers: Orphanet 83639, MedGen C5201145, MONDO:0012465, OMIM 610293.

Allele frequency attached by ClinVar (database versions not stated): TOPMed 0.00001.
gnomAD v4.1: 6 of 1,614,172 alleles (0.00037%); highest among the groups gnomAD compares: Non-Finnish European, 0.00051%; no homozygotes.

Submissions (2):

Laboratorio de Genetica e Diagnostico Molecular, Hospital Israelita Albert Einstein
Classification: Uncertain significance for Hypercoagulability syndrome due to glycosylphosphatidylinositol deficiency. Last evaluated: 2026-01-26. Review status: criteria provided, single submitter. Criteria: ACMG Guidelines, 2015. Collection method: clinical testing. Allele origin: germline. Affected: yes.
Comment: ACMG classification criteria: PM2 supporting

Labcorp Genetics (formerly Invitae), Labcorp
Classification: Uncertain significance for Hypercoagulability syndrome due to glycosylphosphatidylinositol deficiency. Last evaluated: 2022-06-30. Review status: criteria provided, single submitter. Criteria: Invitae Variant Classification Sherloc (09022015). Collection method: clinical testing. Allele origin: germline.
Comment: This sequence change replaces glutamine, which is neutral and polar, with proline, which is neutral and non-polar, at codon 334 of the PIGM protein (p.Gln334Pro). In summary, the available evidence is currently insufficient to determine the role of this variant in disease. Therefore, it has been classified as a Variant of Uncertain Significance. Algorithms developed to predict the effect of missense changes on protein structure and function (SIFT, PolyPhen-2, Align-GVGD) all suggest that this variant is likely to be disruptive. ClinVar contains an entry for this variant (Variation ID: 1055901). This variant has not been reported in the literature in individuals affected with PIGM-related conditions. This variant is not present in population databases (gnomAD no frequency).

NM_145167.3(PIGM):c.1001A>C (p.Gln334Pro)

Gene: PIGM (phosphatidylinositol glycan anchor biosynthesis class M; minus strand). Cytogenetic location: 1q23.2.
Variant type: single nucleotide variant.
Coding change: c.1001A>C on transcript NM_145167.3 (MANE Select); coding-DNA position 1001, A replaced by C.
Protein change: p.Gln334Pro; replaces glutamine 334 with proline.
Molecular consequence: missense variant.
Genome position (GRCh38, 1-based): chr1:160,030,739, T>G on the plus strand (A>C on the coding strand, the complement: PIGM is on the minus strand). VCF-style: chr1-160030739-T-G. GRCh37 (hg19) VCF-style: chr1-160000529-T-G.
Other names: short protein forms Q334P.
Identifiers: ClinVar variation 1055901 (VCV001055901.10), dbSNP rs1648302230, ClinGen allele CA343239127.